The following is an entry in ClinVar:

ClinVar aggregate classification (germline): Uncertain significance (1 of 4 stars; one submission).

Allele frequency attached by ClinVar (database versions not stated): TOPMed 0.00001; gnomAD 0.00002.
gnomAD v4.1: 28 of 1,608,380 alleles (0.0017%); highest among the groups gnomAD compares: Non-Finnish European, 0.0024%; no homozygotes.

Submission:

Labcorp Genetics (formerly Invitae), Labcorp
Classification: Uncertain significance. Last evaluated: 2023-09-28. Review status: criteria provided, single submitter. Criteria: Invitae Variant Classification Sherloc (09022015). Collection method: clinical testing. Allele origin: germline.
Comment: This sequence change replaces alanine, which is neutral and non-polar, with threonine, which is neutral and polar, at codon 1031 of the CNTN5 protein (p.Ala1031Thr). The frequency data for this variant in the population databases is considered unreliable, as metrics indicate poor data quality at this position in the gnomAD database. This variant has not been reported in the literature in individuals affected with CNTN5-related conditions. An algorithm developed to predict the effect of missense changes on protein structure and function (PolyPhen-2) suggests that this variant is likely to be tolerated. In summary, the available evidence is currently insufficient to determine the role of this variant in disease. Therefore, it has been classified as a Variant of Uncertain Significance.

NM_014361.4(CNTN5):c.3091G>A (p.Ala1031Thr)

Gene: CNTN5 (contactin 5; plus strand). Cytogenetic location: 11q22.1.
Variant type: single nucleotide variant.
Coding change: c.3091G>A on transcript NM_014361.4 (MANE Select); coding-DNA position 3091, G replaced by A.
Protein change: p.Ala1031Thr; replaces alanine 1031 with threonine.
Molecular consequence: missense variant.
Genome position (GRCh38, 1-based): chr11:100,350,762, G>A. VCF-style: chr11-100350762-G-A. GRCh37 (hg19) VCF-style: chr11-100221493-G-A.
Other names: c.3091G>A, p.Ala1031Thr (NM_001243270.2); c.2869G>A, p.Ala957Thr (NM_175566.2); short protein forms A957T, A1031T.
Identifiers: ClinVar variation 2713184 (VCV002713184.3), dbSNP rs1317196918, ClinGen allele CA382477584.
Genomic context (GRCh38, chr11:100,350,762, plus strand): 5'-GTTTTTTATAGGCAAGAGGGTCACAGCAACAGCCAAGTTATTGAAACACAGAAACTTCAA[G>A]CAGTAGTACCACTCCCAGATGCTGGAGTCTATATTATTGAAGTTCGAGCATATAGTGAAG-3'
Protein context (NP_055176.1, residues 1021-1041): SQVIETQKLQ[Ala1031Thr]VVPLPDAGVY